The following is an entry in ClinVar:

NM_001267550.2(TTN):c.46697-14A>C

Genes: TTN-AS1 (TTN antisense RNA 1; plus strand), TTN (titin; minus strand). Cytogenetic location: 2q31.2.
Variant type: single nucleotide variant.
Coding change: c.46697-14A>C on transcript NM_001267550.2 (MANE Select); 14 bases into the intron before coding-DNA position 46697, A replaced by C.
Molecular consequence: intron variant.
Genome position (GRCh38, 1-based): chr2:178,618,867, T>G on the plus strand (A>C on the coding strand, the complement: TTN is on the minus strand). VCF-style: chr2-178618867-T-G. GRCh37 (hg19) VCF-style: chr2-179483594-T-G.
Other names: c.41774-14A>C (NM_001256850.1); c.19502-14A>C (NM_003319.4); c.20078-14A>C (NM_133437.4); c.19877-14A>C (NM_133432.3); c.38993-14A>C (NM_133378.4).
Identifiers: ClinVar variation 517112 (VCV000517112.11), dbSNP rs371310030, ClinGen allele CA1995185.
Genomic context (GRCh38, chr2:178,618,867, plus strand): 5'-AACATCAACCACAAGGTCTTGGTCAGCTGTCTTGATTTTTGGTGCAGCTAGTGAGAAAGA[T>G]AACATGTGAACGCTTTCGACTATTAAACGTAGCCAAGCTACATCATGTTATTATGCATTT-3'

ClinVar aggregate classification (germline): Likely benign. Review status: criteria provided, multiple submitters, no conflicts (2 of 4 stars). 4 submissions from 4 submitters: Likely benign (4). Last evaluated 2026-01-17.

Conditions:
Autosomal recessive limb-girdle muscular dystrophy type 2J (LGMDR10). Also called: Limb-girdle muscular dystrophy, type 2J; MUSCULAR DYSTROPHY, LIMB-GIRDLE, AUTOSOMAL RECESSIVE 10. Identifiers: Orphanet 140922, MedGen C1837342, MONDO:0012127, OMIM 608807.
Dilated cardiomyopathy 1G (CMD1G). Identifiers: Orphanet 154, MedGen C1858763, MONDO:0011400, OMIM 604145.

Allele frequency attached by ClinVar (database versions not stated): gnomAD exomes 0.00005 and 0.00010; ExAC 0.00008; gnomAD 0.00008 and 0.00009; TOPMed 0.00008; ESP Exome Variant Server 0.00017.
gnomAD v4.1: 87 of 1,606,464 alleles (0.0054%); highest among the groups gnomAD compares: Non-Finnish European, 0.00085%; 1 homozygote.

Submissions (4):

Labcorp Genetics (formerly Invitae), Labcorp
Classification: Likely benign for Dilated cardiomyopathy 1G; Autosomal recessive limb-girdle muscular dystrophy type 2J. Last evaluated: 2026-01-17. Review status: criteria provided, single submitter. Criteria: Invitae Variant Classification Sherloc (09022015). Collection method: clinical testing. Allele origin: germline.

Women's Health and Genetics/Laboratory Corporation of America, LabCorp
Classification: Likely benign. Last evaluated: 2024-02-26. Review status: criteria provided, single submitter. Criteria: LabCorp Variant Classification Summary - May 2015. Collection method: clinical testing. Allele origin: germline.

Blueprint Genetics
Classification: Likely benign. Last evaluated: 2021-12-13. Review status: criteria provided, single submitter. Criteria: ACMG Guidelines, 2015. Collection method: clinical testing. Allele origin: germline.

GeneDx
Classification: Likely benign. Last evaluated: 2017-11-22. Review status: criteria provided, single submitter. Criteria: GeneDx Variant Classification (06012015). Collection method: clinical testing. Allele origin: germline. Affected: yes.
Comment: This variant is considered likely benign or benign based on one or more of the following criteria: it is a conservative change, it occurs at a poorly conserved position in the protein, it is predicted to be benign by multiple in silico algorithms, and/or has population frequency not consistent with disease.